The following is an entry in ClinVar:

NM_014874.4(MFN2):c.1528C>T (p.Arg510Trp)

Gene: MFN2 (mitofusin 2; plus strand). Cytogenetic location: 1p36.22.
Variant type: single nucleotide variant.
Coding change: c.1528C>T on transcript NM_014874.4 (MANE Select); coding-DNA position 1528, C replaced by T.
Protein change: p.Arg510Trp; replaces arginine 510 with tryptophan.
Molecular consequence: missense variant.
Genome position (GRCh38, 1-based): chr1:12,005,743, C>T. VCF-style: chr1-12005743-C-T. GRCh37 (hg19) VCF-style: chr1-12065800-C-T.
Other names: c.1528C>T, p.Arg510Trp (NM_001127660.2); short protein forms R510W.
Identifiers: ClinVar variation 569426 (VCV000569426.13), dbSNP rs146092040, ClinGen allele CA599150.

ClinVar aggregate classification (germline): Uncertain significance. Review status: criteria provided, multiple submitters, no conflicts (2 of 4 stars). 4 submissions from 4 submitters: Uncertain significance (4). Last evaluated 2024-10-23.

Conditions:
Inborn genetic diseases. Identifiers: MedGen C0950123, MeSH D030342.
Charcot-Marie-Tooth disease type 2. Also called: Charcot-Marie-Tooth type 2. Identifiers: Orphanet 64746, MedGen C0270914, MONDO:0018993.

Allele frequency attached by ClinVar (database versions not stated): TOPMed 0.00002; gnomAD 0.00003 and 0.00004; ExAC 0.00005; ESP Exome Variant Server 0.00008.
gnomAD v4.1: 37 of 1,614,076 alleles (0.0023%); highest among the groups gnomAD compares: Admixed American, 0.005%; no homozygotes.

Submissions (4):

Labcorp Genetics (formerly Invitae), Labcorp
Classification: Uncertain significance for Charcot-Marie-Tooth disease type 2. Last evaluated: 2024-10-23. Review status: criteria provided, single submitter. Criteria: Invitae Variant Classification Sherloc (09022015). Collection method: clinical testing. Allele origin: germline.
Comment: This sequence change replaces arginine, which is basic and polar, with tryptophan, which is neutral and slightly polar, at codon 510 of the MFN2 protein (p.Arg510Trp). This variant is present in population databases (rs146092040, gnomAD 0.01%). This variant has not been reported in the literature in individuals affected with MFN2-related conditions. ClinVar contains an entry for this variant (Variation ID: 569426). Invitae Evidence Modeling of protein sequence and biophysical properties (such as structural, functional, and spatial information, amino acid conservation, physicochemical variation, residue mobility, and thermodynamic stability) has been performed for this missense variant. However, the output from this modeling did not meet the statistical confidence thresholds required to predict the impact of this variant on MFN2 protein function. In summary, the available evidence is currently insufficient to determine the role of this variant in disease. Therefore, it has been classified as a Variant of Uncertain Significance.

Ambry Genetics
Classification: Uncertain significance for Inborn genetic diseases. Last evaluated: 2022-09-02. Review status: criteria provided, single submitter. Criteria: Ambry Variant Classification Scheme 2023. Collection method: clinical testing. Allele origin: germline.
Comment: The p.R510W variant (also known as c.1528C>T), located in coding exon 13 of the MFN2 gene, results from a C to T substitution at nucleotide position 1528. The arginine at codon 510 is replaced by tryptophan, an amino acid with dissimilar properties. This amino acid position is well conserved in available vertebrate species. In addition, this alteration is predicted to be deleterious by in silico analysis. Since supporting evidence is limited at this time, the clinical significance of this alteration remains unclear. Since supporting evidence is limited at this time, the clinical significance of this alteration remains unclear.

Blueprint Genetics
Classification: Uncertain significance. Last evaluated: 2021-11-10. Review status: criteria provided, single submitter. Criteria: ACMG Guidelines, 2015. Collection method: clinical testing. Allele origin: germline.

GeneDx
Classification: Uncertain significance. Last evaluated: 2019-05-16. Review status: criteria provided, single submitter. Criteria: GeneDx Variant Classification Process June 2021. Collection method: clinical testing. Allele origin: germline. Affected: yes.
Comment: In silico analysis, which includes protein predictors and evolutionary conservation, supports a deleterious effect; Has not been previously published as pathogenic or benign to our knowledge